The following is an entry in ClinVar:

NM_001267550.2(TTN):c.46409G>A (p.Arg15470His)

Genes: TTN-AS1 (TTN antisense RNA 1; plus strand), TTN (titin; minus strand). Cytogenetic location: 2q31.2.
Variant type: single nucleotide variant.
Coding change: c.46409G>A on transcript NM_001267550.2 (MANE Select); coding-DNA position 46409, G replaced by A.
Protein change: p.Arg15470His; replaces arginine 15470 with histidine.
Molecular consequence: missense variant. On other transcripts: non-coding transcript variant (1).
Genome position (GRCh38, 1-based): chr2:178,620,008, C>T on the plus strand (G>A on the coding strand, the complement: TTN is on the minus strand). VCF-style: chr2-178620008-C-T. GRCh37 (hg19) VCF-style: chr2-179484735-C-T.
Other names: p.R13829H:CGT>CAT; c.41486G>A, p.Arg13829His (NM_001256850.1); c.19214G>A, p.Arg6405His (NM_003319.4); c.38705G>A, p.Arg12902His (NM_133378.4); c.19589G>A, p.Arg6530His (NM_133432.3); c.19790G>A, p.Arg6597His (NM_133437.4); short protein forms R13829H, R15470H, R6405H, R6530H, R6597H, R12902H.
Identifiers: ClinVar variation 202652 (VCV000202652.49), dbSNP rs769044716, ClinGen allele CA309878.
Genomic context (GRCh38, chr2:178,620,008, plus strand): 5'-AATTGGTAACATTAGAATTGTTTTTTCACTTAATATGTACCTTCCACAAAAAGTCTAGCA[C>T]GAGACTTCCTGTCTTCTACCCCGCAAGCATATTCACACTCATCATCCAGCCTGCAATCTT-3'
Protein context (NP_001254479.2, residues 15460-15480): YACGVEDRKS[Arg15470His]ARLFVEEIPV

ClinVar aggregate classification (germline): Uncertain significance. Review status: criteria provided, multiple submitters, no conflicts (2 of 4 stars). 4 submissions from 4 submitters: Uncertain significance (4). Last evaluated 2023-06-05.

Conditions:
Cardiovascular phenotype. Identifiers: MedGen CN230736.

Allele frequency attached by ClinVar (database versions not stated): ExAC 0.00001; gnomAD exomes 0.00001 and 0.00002; gnomAD 0.00002; TOPMed 0.00003.
gnomAD v4.1: 18 of 1,610,454 alleles (0.0011%); highest among the groups gnomAD compares: African/African-American, 0.0027%; no homozygotes.

Submissions (4):

Revvity Omics, Revvity
Classification: Uncertain significance. Last evaluated: 2023-06-05. Review status: criteria provided, single submitter. Criteria: ACMG Guidelines, 2015. Collection method: clinical testing. Allele origin: germline.

CeGaT Center for Human Genetics Tuebingen
Classification: Uncertain significance. Last evaluated: 2022-05-01. Review status: criteria provided, single submitter. Criteria: CeGaT Center For Human Genetics Tuebingen Variant Classification Criteria Version 2. Collection method: clinical testing. Allele origin: germline. Affected: yes. Observed: 1 variant allele.

GeneDx
Classification: Uncertain significance. Last evaluated: 2018-01-16. Review status: criteria provided, single submitter. Criteria: GeneDx Variant Classification (06012015). Collection method: clinical testing. Allele origin: germline. Affected: yes.
Comment: The R13829H variant of uncertain significance in the TTN gene has not been published as pathogenic or been reported as benign to our knowledge. This variant is not observed at a significant frequency in large population cohorts (Lek et al., 2016). In-silico analyses, including protein predictors and evolutionary conservation, support a deleterious effect. However, the R13829H variant is a conservative amino acid substitution, which is not likely to impact secondary protein structure as these residues share similar properties. Furthermore, this is a missense variant in a gene in which most reported pathogenic variants associated with cardiomyopathy are truncating/loss-of-function (Stenson et al., 2014). Therefore, based on the currently available information, it is unclear whether this variant is pathogenic or rare benign.

Ambry Genetics
Classification: Uncertain significance for Cardiovascular phenotype. Last evaluated: 2017-07-13. Review status: criteria provided, single submitter. Criteria: Ambry Variant Classification Scheme 2023. Collection method: clinical testing. Allele origin: germline.
Comment: The p.R6405H variant (also known as c.19214G>A), located in coding exon 76 of the TTN gene, results from a G to A substitution at nucleotide position 19214. The arginine at codon 6405 is replaced by histidine, an amino acid with highly similar properties. This amino acid position is highly conserved in available vertebrate species. In addition, the in silico prediction for this alteration is inconclusive. Since supporting evidence is limited at this time, the clinical significance of this alteration remains unclear.